The following is an entry in ClinVar:

NM_015443.4(KANSL1):c.2752G>A (p.Ala918Thr)

Gene: KANSL1 (KAT8 regulatory NSL complex subunit 1). Cytogenetic location: 17q21.31.
Variant type: single nucleotide variant.
Coding change: c.2752G>A on transcript NM_015443.4 (MANE Select); coding-DNA position 2752, G replaced by A.
Protein change: p.Ala918Thr; replaces alanine 918 with threonine.
Molecular consequence: missense variant.
Genome position (GRCh38, 1-based): chr17:46,033,165, C>T on the plus strand (G>A on the coding strand, the complement: KANSL1 is on the minus strand). VCF-style: chr17-46033165-C-T. GRCh37 (hg19) VCF-style: chr17-44110531-C-T.
Other names: c.1483G>A, p.Ala495Thr (NM_001405883.1); c.1297G>A, p.Ala433Thr (NM_001405884.1); c.1294G>A, p.Ala432Thr (NM_001405885.1); c.2749G>A, p.Ala917Thr (NM_001193465.2, NM_001405856.1, NM_001405857.1 and 1 more transcripts); c.2752G>A, p.Ala918Thr (NM_001193466.2, NM_001379198.1, NM_001405854.1 and 4 more transcripts); c.2650G>A, p.Ala884Thr (NM_001405859.1, NM_001405860.1); c.2647G>A, p.Ala883Thr (NM_001405861.1, NM_001405881.1); c.2563G>A, p.Ala855Thr (NM_001405875.1, NM_001405876.1, NM_001405877.1 and 1 more transcripts); and 2 more; short protein forms A432T, A884T, A495T, A883T, A433T, A854T, A855T, A496T.
Identifiers: ClinVar variation 2385703 (VCV002385703.5), dbSNP rs752325882, ClinGen allele CA8618452.

ClinVar aggregate classification (germline): Uncertain significance. Review status: criteria provided, multiple submitters, no conflicts (2 of 4 stars). 3 submissions from 3 submitters: Uncertain significance (3). Last evaluated 2025-04-14.

Conditions:
KANSL1-related disorder. Also called: KANSL1-related condition.
Inborn genetic diseases. Identifiers: MedGen C0950123, MeSH D030342.
Koolen-de Vries syndrome (KDVS). Identifiers: Orphanet 96169, MedGen C1864871, MONDO:0012496, OMIM 610443.

Allele frequency attached by ClinVar (database versions not stated): ExAC 0.00003.
gnomAD v4.1: 9 of 1,604,718 alleles (0.00056%); highest among the groups gnomAD compares: South Asian, 0.0022%; no homozygotes.

Submissions (3):

Labcorp Genetics (formerly Invitae), Labcorp
Classification: Uncertain significance for Koolen-de Vries syndrome. Last evaluated: 2025-04-14. Review status: criteria provided, single submitter. Criteria: Invitae Variant Classification Sherloc (09022015). Collection method: clinical testing. Allele origin: germline.
Comment: This sequence change replaces alanine, which is neutral and non-polar, with threonine, which is neutral and polar, at codon 918 of the KANSL1 protein (p.Ala918Thr). The frequency data for this variant in the population databases is considered unreliable, as metrics indicate poor data quality at this position in the gnomAD database. This variant has not been reported in the literature in individuals affected with KANSL1-related conditions. ClinVar contains an entry for this variant (Variation ID: 2385703). Invitae Evidence Modeling of protein sequence and biophysical properties (such as structural, functional, and spatial information, amino acid conservation, physicochemical variation, residue mobility, and thermodynamic stability) indicates that this missense variant is not expected to disrupt KANSL1 protein function with a negative predictive value of 80%. In summary, the available evidence is currently insufficient to determine the role of this variant in disease. Therefore, it has been classified as a Variant of Uncertain Significance.

PreventionGenetics, part of Exact Sciences
Classification: Uncertain significance for KANSL1-related condition. Last evaluated: 2023-09-19. Review status: criteria provided, single submitter. Criteria: ACMG Guidelines, 2015. Collection method: clinical testing. Allele origin: germline.
Comment: The KANSL1 c.2752G>A variant is predicted to result in the amino acid substitution p.Ala918Thr. To our knowledge, this variant has not been reported in the literature. This variant is reported in 0.010% of alleles in individuals of Ashkenazi Jewish descent in gnomAD. At this time, the clinical significance of this variant is uncertain due to the absence of conclusive functional and genetic evidence.

Ambry Genetics
Classification: Uncertain significance for Inborn genetic diseases. Last evaluated: 2022-07-21. Review status: criteria provided, single submitter. Criteria: Ambry Variant Classification Scheme 2023. Collection method: clinical testing. Allele origin: germline.